The following is an entry in ClinVar:

ClinVar aggregate classification (germline): Uncertain significance (1 of 4 stars; one submission).

Conditions:
Primary ciliary dyskinesia. Also called: Ciliary dyskinesia. Identifiers: Orphanet 244, MedGen C0008780, MONDO:0016575, HP:0012265.

Submission:

Labcorp Genetics (formerly Invitae), Labcorp
Classification: Uncertain significance for Primary ciliary dyskinesia. Last evaluated: 2024-01-05. Review status: criteria provided, single submitter. Criteria: Invitae Variant Classification Sherloc (09022015). Collection method: clinical testing. Allele origin: germline.
Comment: This variant results in a copy number gain of the genomic region encompassing exon(s) 2-10 of the CCDC39 gene. While the exact position of this variant cannot be determined from the data, sub-genic copy number gains are generally in tandem (PMID: 25640679). This variant is predicted to be in-frame, and likely preserves the integrity of the reading frame. This variant has not been reported in the literature in individuals affected with CCDC39-related conditions. In summary, the available evidence is currently insufficient to determine the role of this variant in disease. Therefore, it has been classified as a Variant of Uncertain Significance.

Literature cited by the submitters: PubMed 25640679.

NC_000003.11:g.(?_180365933)_(180381794_?)dup

Gene: CCDC39 (coiled-coil domain 39 molecular ruler complex subunit; minus strand). Cytogenetic location: 3q26.33.
Variant type: Duplication.
Identifiers: ClinVar variation 454497 (VCV000454497.16).